The following is an entry in ClinVar:

NM_001354768.3(NRL):c.628C>G (p.Arg210Gly)

Genes: NRL (neural retina leucine zipper; minus strand), LOC130055387 (ATAC-STARR-seq lymphoblastoid silent region 5620; plus strand). Cytogenetic location: 14q11.2.
Variant type: single nucleotide variant.
Coding change: c.628C>G on transcript NM_001354768.3 (MANE Select); coding-DNA position 628, C replaced by G.
Protein change: p.Arg210Gly; replaces arginine 210 with glycine.
Molecular consequence: missense variant.
Genome position (GRCh38, 1-based): chr14:24,081,322, G>C on the plus strand (C>G on the coding strand, the complement: NRL is on the minus strand). VCF-style: chr14-24081322-G-C. GRCh37 (hg19) VCF-style: chr14-24550531-G-C.
Other names: c.628C>G, p.Arg210Gly (NM_001354769.1, NM_006177.5); c.313C>G, p.Arg105Gly (NM_001354770.2); c.628C>G (NM_006177.3); short protein forms R105G, R210G.
Identifiers: ClinVar variation 1479627 (VCV001479627.8), dbSNP rs1392368186, ClinGen allele CA389276716.

ClinVar aggregate classification (germline): Uncertain significance. Review status: criteria provided, multiple submitters, no conflicts (2 of 4 stars). 3 submissions from 3 submitters: Uncertain significance (3). Last evaluated 2025-10-07.

Conditions:
Inborn genetic diseases. Identifiers: MedGen C0950123, MeSH D030342.

gnomAD v4.1: 4 of 1,478,904 alleles (0.00027%); highest among the groups gnomAD compares: Non-Finnish European, 0.00036%; no homozygotes.

Submissions (3):

Ambry Genetics
Classification: Uncertain significance for Inborn genetic diseases. Last evaluated: 2025-10-07. Review status: criteria provided, single submitter. Criteria: Ambry Variant Classification Scheme 2023. Collection method: clinical testing. Allele origin: germline.

Blueprint Genetics
Classification: Uncertain significance. Last evaluated: 2024-09-03. Review status: criteria provided, single submitter. Criteria: ACMG Guidelines, 2015. Collection method: clinical testing. Allele origin: germline.

Labcorp Genetics (formerly Invitae), Labcorp
Classification: Uncertain significance. Last evaluated: 2021-11-23. Review status: criteria provided, single submitter. Criteria: Invitae Variant Classification Sherloc (09022015). Collection method: clinical testing. Allele origin: germline.
Comment: In summary, the available evidence is currently insufficient to determine the role of this variant in disease. Therefore, it has been classified as a Variant of Uncertain Significance. Algorithms developed to predict the effect of missense changes on protein structure and function (SIFT, PolyPhen-2, Align-GVGD) all suggest that this variant is likely to be disruptive. This variant has not been reported in the literature in individuals affected with NRL-related conditions. This variant is not present in population databases (gnomAD no frequency). This sequence change replaces arginine, which is basic and polar, with glycine, which is neutral and non-polar, at codon 210 of the NRL protein (p.Arg210Gly).